The following is an entry in ClinVar:

ClinVar aggregate classification (germline): Uncertain significance (1 of 4 stars; one submission).

Conditions:
Emery-Dreifuss muscular dystrophy 5, autosomal dominant (EDMD5). Also called: EMERY-DREIFUSS MUSCULAR DYSTROPHY 5. Identifiers: Orphanet 261, MedGen C2751805, MONDO:0013072, OMIM 612999.

Allele frequency attached by ClinVar (database versions not stated): gnomAD exomes below 0.00001.
gnomAD v4.1: 2 of 1,613,718 alleles (0.00012%); highest among the groups gnomAD compares: Admixed American, 0.0033%; no homozygotes.

Submission:

Labcorp Genetics (formerly Invitae), Labcorp
Classification: Uncertain significance for Emery-Dreifuss muscular dystrophy 5, autosomal dominant. Last evaluated: 2021-08-14. Review status: criteria provided, single submitter. Criteria: Invitae Variant Classification Sherloc (09022015). Collection method: clinical testing. Allele origin: germline.
Comment: This sequence change replaces threonine with proline at codon 4205 of the SYNE2 protein (p.Thr4205Pro). The threonine residue is weakly conserved and there is a small physicochemical difference between threonine and proline. This variant is not present in population databases (ExAC no frequency). This variant has not been reported in the literature in individuals affected with SYNE2-related conditions. Algorithms developed to predict the effect of missense changes on protein structure and function (SIFT, PolyPhen-2, Align-GVGD) all suggest that this variant is likely to be tolerated. In summary, the available evidence is currently insufficient to determine the role of this variant in disease. Therefore, it has been classified as a Variant of Uncertain Significance.

NM_182914.3(SYNE2):c.12613A>C (p.Thr4205Pro)

Gene: SYNE2 (spectrin repeat containing nuclear envelope protein 2; plus strand). Cytogenetic location: 14q23.2.
Variant type: single nucleotide variant.
Coding change: c.12613A>C on transcript NM_182914.3 (MANE Select); coding-DNA position 12613, A replaced by C.
Protein change: p.Thr4205Pro; replaces threonine 4205 with proline.
Molecular consequence: missense variant.
Genome position (GRCh38, 1-based): chr14:64,113,344, A>C. VCF-style: chr14-64113344-A-C. GRCh37 (hg19) VCF-style: chr14-64580062-A-C.
Other names: c.12613A>C, p.Thr4205Pro (NM_015180.6); short protein forms T4205P.
Identifiers: ClinVar variation 1389471 (VCV001389471.6), dbSNP rs1421677072, ClinGen allele CA389957455.
Genomic context (GRCh38, chr14:64,113,344, plus strand): 5'-TGCAGGCCCAAGTCTGAAAACTTTGGACTCCCTGGCTTATCTTTGGATTTCTCTTAGGGC[A>C]CCACACCTCCTATTGAGGCTGACACTCTGGACTCTTCTGACGCGCAAGGAGGTTTGGAGC-3'
Protein context (NP_878918.2, residues 4195-4215): SLRPNQTEEG[Thr4205Pro]TPPIEADTLD